The following is an entry in ClinVar:

NM_000718.4(CACNA1B):c.3197G>A (p.Arg1066His)

Gene: CACNA1B (calcium voltage-gated channel subunit alpha1 B; plus strand). Cytogenetic location: 9q34.3.
Variant type: single nucleotide variant.
Coding change: c.3197G>A on transcript NM_000718.4 (MANE Select); coding-DNA position 3197, G replaced by A.
Protein change: p.Arg1066His; replaces arginine 1066 with histidine.
Molecular consequence: missense variant.
Genome position (GRCh38, 1-based): chr9:138,025,083, G>A. VCF-style: chr9-138025083-G-A. GRCh37 (hg19) VCF-style: chr9-140919535-G-A.
Other names: c.3197G>A, p.Arg1066His (NM_001243812.2); short protein forms R1066H.
Identifiers: ClinVar variation 2102112 (VCV002102112.4), dbSNP rs375412976, ClinGen allele CA5376551.

ClinVar aggregate classification (germline): Uncertain significance (1 of 4 stars; one submission).

Allele frequency attached by ClinVar (database versions not stated): TOPMed below 0.00001; ExAC 0.00001; gnomAD 0.00001.
gnomAD v4.1: 11 of 1,612,974 alleles (0.00068%); highest among the groups gnomAD compares: Non-Finnish European, 0.00093%; no homozygotes.

Submission:

Labcorp Genetics (formerly Invitae), Labcorp
Classification: Uncertain significance. Last evaluated: 2022-08-12. Review status: criteria provided, single submitter. Criteria: Invitae Variant Classification Sherloc (09022015). Collection method: clinical testing. Allele origin: germline.
Comment: In summary, the available evidence is currently insufficient to determine the role of this variant in disease. Therefore, it has been classified as a Variant of Uncertain Significance. Advanced modeling of protein sequence and biophysical properties (such as structural, functional, and spatial information, amino acid conservation, physicochemical variation, residue mobility, and thermodynamic stability) performed at Invitae indicates that this missense variant is not expected to disrupt CACNA1B protein function. This variant has not been reported in the literature in individuals affected with CACNA1B-related conditions. The frequency data for this variant in the population databases is considered unreliable, as metrics indicate poor data quality at this position in the gnomAD database. This sequence change replaces arginine, which is basic and polar, with histidine, which is basic and polar, at codon 1066 of the CACNA1B protein (p.Arg1066His).